The following is an entry in ClinVar:

NM_000377.3(WAS):c.1205C>T (p.Pro402Leu)

Gene: WAS (WASP actin nucleation promoting factor; plus strand). Cytogenetic location: Xp11.23.
Variant type: single nucleotide variant.
Coding change: c.1205C>T on transcript NM_000377.3 (MANE Select); coding-DNA position 1205, C replaced by T.
Protein change: p.Pro402Leu; replaces proline 402 with leucine.
Molecular consequence: missense variant.
Genome position (GRCh38, 1-based): chrX:48,688,933, C>T. VCF-style: chrX-48688933-C-T. GRCh37 (hg19) VCF-style: chrX-48547322-C-T.
Other names: short protein forms P402L.
Identifiers: ClinVar variation 982848 (VCV000982848.3), dbSNP rs1557007283, ClinGen allele CA412873498.

ClinVar aggregate classification (germline): Uncertain significance. Review status: criteria provided, multiple submitters, no conflicts (2 of 4 stars). 2 submissions from 2 submitters: Uncertain significance (2). Last evaluated 2024-05-21.

Conditions:
X-linked severe congenital neutropenia (SCNX). Identifiers: Orphanet 86788, MedGen C1845987, MONDO:0010294, OMIM 300299.
Thrombocytopenia 1. Also called: THROMBOCYTOPENIA, X-LINKED, 1; X-linked thrombocytopenia with normal platelets; X-Linked Thrombocytopenia (XLT). Identifiers: Orphanet 268322, Orphanet 852, MedGen C1839163, MONDO:0010743, OMIM 313900.
Wiskott-Aldrich syndrome (WAS). Also called: WISKOTT-ALDRICH SYNDROME 1; ALDRICH SYNDROME; IMMUNODEFICIENCY 2; Wiskott-aldrich syndrome, somatic. Identifiers: Orphanet 906, MedGen C0043194, MONDO:0010518, OMIM 301000.

Allele frequency attached by ClinVar (database versions not stated): gnomAD exomes 0.00001; TOPMed 0.00001.
gnomAD v4.1: 15 of 1,163,327 alleles (0.0013%); highest among the groups gnomAD compares: Non-Finnish European, 0.0017%; no homozygotes.

Submissions (2):

Labcorp Genetics (formerly Invitae), Labcorp
Classification: Uncertain significance for Wiskott-Aldrich syndrome; X-linked severe congenital neutropenia; Thrombocytopenia 1. Last evaluated: 2024-05-21. Review status: criteria provided, single submitter. Criteria: Invitae Variant Classification Sherloc (09022015). Collection method: clinical testing. Allele origin: germline.
Comment: This sequence change replaces proline, which is neutral and non-polar, with leucine, which is neutral and non-polar, at codon 402 of the WAS protein (p.Pro402Leu). This variant is present in population databases (no rsID available, gnomAD 0.003%). This variant has not been reported in the literature in individuals affected with WAS-related conditions. ClinVar contains an entry for this variant (Variation ID: 982848). Advanced modeling of protein sequence and biophysical properties (such as structural, functional, and spatial information, amino acid conservation, physicochemical variation, residue mobility, and thermodynamic stability) performed at Invitae indicates that this missense variant is not expected to disrupt WAS protein function with a negative predictive value of 80%. In summary, the available evidence is currently insufficient to determine the role of this variant in disease. Therefore, it has been classified as a Variant of Uncertain Significance.

Institute of Human Genetics, University of Leipzig Medical Center
Classification: Uncertain significance for X-linked severe congenital neutropenia. Last evaluated: 2019-01-01. Review status: criteria provided, single submitter. Criteria: ACMG Guidelines, 2015. Collection method: clinical testing. Allele origin: unknown. Affected: yes.